The following is an entry in ClinVar:

ClinVar aggregate classification (germline): Uncertain significance. Review status: criteria provided, multiple submitters, no conflicts (2 of 4 stars). 2 submissions from 2 submitters: Uncertain significance (2). Last evaluated 2023-09-01.

Conditions:
X-linked progressive cerebellar ataxia. Also called: OLIVOPONTOCEREBELLAR ATROPHY, X-LINKED; Spinocerebellar ataxia, X-linked 1; OPCA, X-LINKED. Identifiers: Orphanet 1175, MedGen C0796205, MONDO:0010547, OMIM 302500.

Allele frequency attached by ClinVar (database versions not stated): gnomAD exomes 0.00002 and 0.00007; gnomAD 0.00003; TOPMed 0.00003; ExAC 0.00005.

Submissions (2):

New York Genome Center
Classification: Uncertain significance for X-linked progressive cerebellar ataxia. Last evaluated: 2023-09-01. Review status: criteria provided, single submitter. Criteria: NYGC Assertion Criteria 2020. Collection method: clinical testing. Allele origin: inherited. Observed: 1 hemizygote.
Comment: The c.2105G>A variant in ATP2B3 has not previously been reported in the literature; it has been deposited in ClinVar [ClinVar ID: 807831] as Variant of Uncertain Significance with affected status provided. The c.2105G>A is observed in 22 alleles (~0.0044% minor allele frequency with 3 hemizygotes and 2 homozygotes) in population databases (gnomAD v2.1.1 and v3.1.2, TOPMed Freeze 8), suggesting it is not a common benign variant in the populations represented in those databases. The c.2105G>A variant is located in exon 14 of this 22-exon gene and predicted to replace an evolutionarily conserved arginine amino acid with histidine at position 702 within the p-type ATPase domain of the encoded protein [UniProt ID: Q16720]. In silico predictions are in favor of damaging effect for the p.(Arg702His) variant [(CADD v1.6 = 28.9, REVEL = 0.944)]; however, there are no functional studies to support or refute these predictions. Based on available evidence this maternally inherited hemizygous c.2105G>A p.(Arg702His) variant identified in ATP2B3 is classified as a Variant of Uncertain Significance.

CeGaT Center for Human Genetics Tuebingen
Classification: Uncertain significance. Last evaluated: 2017-09-01. Review status: criteria provided, single submitter. Criteria: CeGaT Center For Human Genetics Tuebingen Variant Classification Criteria Version 2. Collection method: clinical testing. Allele origin: germline. Affected: yes. Observed: 1 variant allele.

NM_001001344.3(ATP2B3):c.2105G>A (p.Arg702His)

Gene: ATP2B3 (ATPase plasma membrane Ca2+ transporting 3; plus strand). Cytogenetic location: Xq28.
Variant type: single nucleotide variant.
Coding change: c.2105G>A on transcript NM_001001344.3 (MANE Select); coding-DNA position 2105, G replaced by A.
Protein change: p.Arg702His; replaces arginine 702 with histidine.
Molecular consequence: missense variant.
Genome position (GRCh38, 1-based): chrX:153,556,095, G>A. VCF-style: chrX-153556095-G-A. GRCh37 (hg19) VCF-style: chrX-152821553-G-A.
Other names: c.2105G>A, p.Arg702His (NM_001388360.1, NM_001388361.1, NM_001388362.1 and 1 more transcripts); c.2105G>A (NM_001001344.2); short protein forms R702H.
Identifiers: ClinVar variation 807831 (VCV000807831.43), dbSNP rs782587313, ClinGen allele CA10547886.